The following is an entry in ClinVar:

ClinVar aggregate classification (germline): Uncertain significance. Review status: criteria provided, multiple submitters, no conflicts (2 of 4 stars). 2 submissions from 2 submitters: Uncertain significance (2). Last evaluated 2025-07-21.

Conditions:
Cardiovascular phenotype. Identifiers: MedGen CN230736.

Submissions (2):

Ambry Genetics
Classification: Uncertain significance for Cardiovascular phenotype. Last evaluated: 2025-07-21. Review status: criteria provided, single submitter. Criteria: Ambry Variant Classification Scheme 2023. Collection method: clinical testing. Allele origin: germline.
Comment: The p.S1745L variant (also known as c.5234C>T), located in coding exon 26 of the APOB gene, results from a C to T substitution at nucleotide position 5234. The serine at codon 1745 is replaced by leucine, an amino acid with dissimilar properties. This amino acid position is conserved. In addition, this alteration is predicted to be tolerated by in silico analysis. Based on the available evidence, the clinical significance of this variant remains unclear.

Quest Diagnostics Nichols Institute San Juan Capistrano
Classification: Uncertain significance. Last evaluated: 2024-05-23. Review status: criteria provided, single submitter. Criteria: Quest Diagnostics criteria. Collection method: clinical testing. Allele origin: unknown.
Comment: The APOB c.5234C>T (p.Ser1745Leu) variant has not been reported in individuals with APOB-related conditions in the published literature. It also has not been reported in large, multi-ethnic general populations (Genome Aggregation Database). Analysis of this variant using bioinformatics tools for the prediction of the effect of amino acid changes on protein structure and function yielded conflicting predictions that this variant is benign or damaging. Based on the available information, we are unable to determine the clinical significance of this variant.

Literature cited by the submitters: PubMed 28467829 (cited by Quest Diagnostics Nichols Institute San Juan Capistrano).

NM_000384.3(APOB):c.5234C>T (p.Ser1745Leu)

Gene: APOB (apolipoprotein B; minus strand). Cytogenetic location: 2p24.1.
Variant type: single nucleotide variant.
Coding change: c.5234C>T on transcript NM_000384.3 (MANE Select); coding-DNA position 5234, C replaced by T.
Protein change: p.Ser1745Leu; replaces serine 1745 with leucine.
Molecular consequence: missense variant.
Genome position (GRCh38, 1-based): chr2:21,011,634, G>A on the plus strand (C>T on the coding strand, the complement: APOB is on the minus strand). VCF-style: chr2-21011634-G-A. GRCh37 (hg19) VCF-style: chr2-21234506-G-A.
Other names: short protein forms S1745L.
Identifiers: ClinVar variation 3572076 (VCV003572076.2).